The following is an entry in ClinVar:

NM_006361.6(HOXB13):c.602-4G>C

Gene: HOXB13 (homeobox B13; minus strand). Cytogenetic location: 17q21.32.
Variant type: single nucleotide variant.
Coding change: c.602-4G>C on transcript NM_006361.6 (MANE Select); 4 bases into the intron before coding-DNA position 602, G replaced by C.
Molecular consequence: intron variant.
Genome position (GRCh38, 1-based): chr17:48,727,047, C>G on the plus strand (G>C on the coding strand, the complement: HOXB13 is on the minus strand). VCF-style: chr17-48727047-C-G. GRCh37 (hg19) VCF-style: chr17-46804409-C-G.
Other names: c.602-4G>C (NM_006361.5).
Identifiers: ClinVar variation 1465154 (VCV001465154.10), dbSNP rs1214157618, ClinGen allele CA2573154109.
Genomic context (GRCh38, chr17:48,727,047, plus strand): 5'-GTTTCTTGCGGCCGCGACGAAAGGCGCAGGCGTCAGGAGGGTGCTGCCCGCTGGAGTCTG[C>G]GCGGCGTGAAAGGGAGGGAGGAAAAGGCATGGTCAGATACCCACCCATGCAGACCCAGGC-3'

ClinVar aggregate classification (germline): Likely benign. Review status: criteria provided, multiple submitters, no conflicts (2 of 4 stars). 3 submissions from 3 submitters: Likely benign (3). Last evaluated 2026-04-03.

Conditions:
Prostate cancer, hereditary, 9 (HPC9). Identifiers: Orphanet 1331, MedGen C1970250, MONDO:0012597, OMIM 610997.
Hereditary cancer-predisposing syndrome. Also called: Tumor predisposition; Neoplastic Syndromes, Hereditary; Hereditary Cancer Syndrome; Hereditary neoplastic syndrome. Identifiers: Orphanet 140162, MedGen C0027672, MeSH D009386, MONDO:0015356.

Submissions (3):

Ambry Genetics
Classification: Likely benign for Hereditary cancer-predisposing syndrome. Last evaluated: 2026-04-03. Review status: criteria provided, single submitter. Criteria: Ambry Variant Classification Scheme 2023. Collection method: clinical testing. Allele origin: germline.

Myriad Genetics, Inc.
Classification: Likely benign for Prostate cancer, hereditary, 9. Last evaluated: 2024-10-30. Review status: criteria provided, single submitter. Criteria: Myriad Autosomal Dominant, Autosomal Recessive and X-Linked Classification Criteria (2023). Collection method: clinical testing. Allele origin: unknown.
Comment: This variant is considered likely benign. This variant is intronic and is not expected to impact mRNA splicing.

Labcorp Genetics (formerly Invitae), Labcorp
Classification: Likely benign. Last evaluated: 2022-08-09. Review status: criteria provided, single submitter. Criteria: Invitae Variant Classification Sherloc (09022015). Collection method: clinical testing. Allele origin: germline.